The following is an entry in ClinVar:

NM_004360.5(CDH1):c.2368A>G (p.Thr790Ala)

Gene: CDH1 (cadherin 1; plus strand). Cytogenetic location: 16q22.1.
Variant type: single nucleotide variant.
Coding change: c.2368A>G on transcript NM_004360.5 (MANE Select); coding-DNA position 2368, A replaced by G.
Protein change: p.Thr790Ala; replaces threonine 790 with alanine.
Molecular consequence: missense variant.
Genome position (GRCh38, 1-based): chr16:68,829,726, A>G. VCF-style: chr16-68829726-A-G. GRCh37 (hg19) VCF-style: chr16-68863629-A-G.
Other names: c.2185A>G, p.Thr729Ala (NM_001317184.2); c.820A>G, p.Thr274Ala (NM_001317185.2); c.403A>G, p.Thr135Ala (NM_001317186.2); short protein forms T135A, T274A, T790A, T729A.
Identifiers: ClinVar variation 1425398 (VCV001425398.8), dbSNP rs1596972607, ClinGen allele CA396471083.
Genomic context (GRCh38, chr16:68,829,726, plus strand): 5'-AGCCAGCTGCACAGGGGCCTGGACGCTCGGCCTGAAGTGACTCGTAACGACGTTGCACCA[A>G]CCCTCATGAGTGTCCCCCGGTATCTTCCCCGCCCTGCCAATCCCGATGAAATTGGAAATT-3'
Protein context (NP_004351.1, residues 780-800): PEVTRNDVAP[Thr790Ala]LMSVPRYLPR

ClinVar aggregate classification (germline): Uncertain significance. Review status: criteria provided, multiple submitters, no conflicts (2 of 4 stars). 2 submissions from 2 submitters: Uncertain significance (2). Last evaluated 2025-12-26.

Conditions:
Hereditary cancer-predisposing syndrome. Also called: Hereditary neoplastic syndrome; Tumor predisposition; Hereditary Cancer Syndrome; Neoplastic Syndromes, Hereditary. Identifiers: Orphanet 140162, MedGen C0027672, MeSH D009386, MONDO:0015356.
Hereditary diffuse gastric adenocarcinoma (HDGC). Also called: DIFFUSE GASTRIC AND LOBULAR BREAST CANCER SYNDROME. Identifiers: Orphanet 26106, MedGen C1708349, MONDO:0007648, OMIM 137215.

Submissions (2):

Labcorp Genetics (formerly Invitae), Labcorp
Classification: Uncertain significance for Hereditary diffuse gastric adenocarcinoma. Last evaluated: 2025-12-26. Review status: criteria provided, single submitter. Criteria: Invitae Variant Classification Sherloc (09022015). Collection method: clinical testing. Allele origin: germline.
Comment: This sequence change replaces threonine, which is neutral and polar, with alanine, which is neutral and non-polar, at codon 790 of the CDH1 protein (p.Thr790Ala). This variant is not present in population databases (gnomAD no frequency). This variant has not been reported in the literature in individuals affected with CDH1-related conditions. ClinVar contains an entry for this variant (Variation ID: 1425398). An algorithm developed to predict the effect of missense changes on protein structure and function (PolyPhen-2) suggests that this variant is likely to be disruptive. Experimental studies are conflicting or provide insufficient evidence to determine the effect of this variant on CDH1 function (PMID: 27203386). In summary, the available evidence is currently insufficient to determine the role of this variant in disease. Therefore, it has been classified as a Variant of Uncertain Significance.

Ambry Genetics
Classification: Uncertain significance for Hereditary cancer-predisposing syndrome. Last evaluated: 2022-06-14. Review status: criteria provided, single submitter. Criteria: Ambry Variant Classification Scheme 2023. Collection method: clinical testing. Allele origin: germline.
Comment: The p.T790A variant (also known as c.2368A>G), located in coding exon 15 of the CDH1 gene, results from an A to G substitution at nucleotide position 2368. The threonine at codon 790 is replaced by alanine, an amino acid with similar properties. This alteration was detected in 1/5589 German BRCA1/2-negative probands with breast cancer (Hauke J et al. Cancer Med, 2018 04;7:1349-1358). This amino acid position is not well conserved in available vertebrate species. In addition, this alteration is predicted to be tolerated by in silico analysis. Since supporting evidence is limited at this time, the clinical significance of this alteration remains unclear.

Literature cited by the submitters: PubMed 27203386 (cited by Labcorp Genetics (formerly Invitae), Labcorp); PubMed 29522266 (cited by Ambry Genetics).